The following is an entry in ClinVar:

NM_001943.5(DSG2):c.892G>A (p.Ala298Thr)

Gene: DSG2 (desmoglein 2; plus strand). Cytogenetic location: 18q12.1.
Variant type: single nucleotide variant.
Coding change: c.892G>A on transcript NM_001943.5 (MANE Select); coding-DNA position 892, G replaced by A.
Protein change: p.Ala298Thr; replaces alanine 298 with threonine.
Molecular consequence: missense variant.
Genome position (GRCh38, 1-based): chr18:31,524,766, G>A. VCF-style: chr18-31524766-G-A. GRCh37 (hg19) VCF-style: chr18-29104729-G-A.
Other names: short protein forms A298T.
Identifiers: ClinVar variation 3386579 (VCV003386579.1).

ClinVar aggregate classification (germline): Uncertain significance (1 of 4 stars; one submission).

Conditions:
Arrhythmogenic right ventricular cardiomyopathy (ARVD). Also called: Arrhythmogenic right ventricular dysplasia; Cardiomyopathy, ARVC; Arrhythmogenic cardiomyopathy; Arrhythmogenic Right Ventricular Cardiomyopathy (ARVC). Identifiers: Orphanet 247, MedGen C0349788, MeSH D019571, MONDO:0016587. Disease mechanism: loss of function. Inheritance: Various modes of inheritance.

Submission:

All of Us Research Program, National Institutes of Health
Classification: Uncertain significance for Arrhythmogenic right ventricular cardiomyopathy. Last evaluated: 2024-08-06. Review status: criteria provided, single submitter. Criteria: ACMG Guidelines, 2015. Collection method: clinical testing. Allele origin: germline. Inheritance: Autosomal dominant inheritance. Observed: 1 variant allele, 1 heterozygote.
Comment: This study involves interpretation of variants in research participants for the purpose of population health screening. Participant phenotype was not available at the time of variant classification. Additional details can be found in publication PMID: 35346344, PMCID: PMC8962531